The following is an entry in ClinVar:

NM_001429.4(EP300):c.7153C>T (p.Leu2385Phe)

Gene: EP300 (EP300 lysine acetyltransferase; plus strand). Cytogenetic location: 22q13.2.
Variant type: single nucleotide variant.
Coding change: c.7153C>T on transcript NM_001429.4 (MANE Select); coding-DNA position 7153, C replaced by T.
Protein change: p.Leu2385Phe; replaces leucine 2385 with phenylalanine.
Molecular consequence: missense variant.
Genome position (GRCh38, 1-based): chr22:41,178,864, C>T. VCF-style: chr22-41178864-C-T. GRCh37 (hg19) VCF-style: chr22-41574868-C-T.
Other names: c.7153C>T (NM_001429.3); c.7075C>T, p.Leu2359Phe (NM_001362843.2); short protein forms L2385F, L2359F.
Identifiers: ClinVar variation 1388960 (VCV001388960.4), dbSNP rs752065194, ClinGen allele CA10254042.

ClinVar aggregate classification (germline): Uncertain significance. Review status: criteria provided, single submitter (1 of 4 stars). 2 submissions from 2 submitters: Uncertain significance (1). 1 of the submissions does not count toward it. Last evaluated 2021-08-24.

Conditions:
EP300-related disorder. Also called: EP300-related disorders; EP300-related condition.
Colorectal carcinoma. Identifiers: MedGen C0009402, MONDO:0024331.
Rubinstein-Taybi syndrome due to EP300 haploinsufficiency. Also called: RUBINSTEIN-TAYBI SYNDROME 2; EP300-Related Rubinstein-Taybi Syndrome. Identifiers: Orphanet 353284, Orphanet 783, MedGen C3150941, MONDO:0013364, OMIM 613684.

Allele frequency attached by ClinVar (database versions not stated): ExAC 0.00001.
gnomAD v4.1: 3 of 1,614,194 alleles (0.00019%); highest among the groups gnomAD compares: Admixed American, 0.0033%; no homozygotes.

Submissions (2):

Labcorp Genetics (formerly Invitae), Labcorp
Classification: Uncertain significance for Rubinstein-Taybi syndrome due to EP300 haploinsufficiency; Colorectal carcinoma. Last evaluated: 2021-08-24. Review status: criteria provided, single submitter. Criteria: Invitae Variant Classification Sherloc (09022015). Collection method: clinical testing. Allele origin: germline.

PreventionGenetics, part of Exact Sciences
Classification: Uncertain significance for EP300-related condition. Last evaluated: 2024-03-05. Review status: no assertion criteria provided. Collection method: clinical testing. Allele origin: germline. Not counted in ClinVar's aggregate classification.
Comment: The EP300 c.7153C>T variant is predicted to result in the amino acid substitution p.Leu2385Phe. To our knowledge, this variant has not been reported in the literature. This variant is reported in 0.0058% of alleles in individuals of Latino descent in gnomAD. At this time, the clinical significance of this variant is uncertain due to the absence of conclusive functional and genetic evidence.